The following is an entry in ClinVar:

NM_004960.4(FUS):c.1394-16_1394-10del

Gene: FUS (FUS RNA binding protein; plus strand). Cytogenetic location: 16p11.2.
Variant type: Deletion.
Coding change: c.1394-16_1394-10del on transcript NM_004960.4 (MANE Select); 16 bases into the intron before coding-DNA position 1394 through 10 bases into the intron before coding-DNA position 1394, 7 bases deleted (GTTTCTT; older notation c.1394-16_1394-10delGTTTCTT).
Molecular consequence: intron variant.
Genome position (GRCh38, 1-based): chr16:31,190,947-31,190,953, GTTTCTT deleted; deleting any 7 consecutive bases within chr16:31,190,943-31,190,953 gives the same sequence; the c. name uses the placement nearest the transcript's 3' end. VCF-style (leftmost placement, unchanged base first): chr16-31190942-ATCTTGTT-A. GRCh37 (hg19) VCF-style: chr16-31202263-ATCTTGTT-A.
Other names: c.1382-16_1382-10del (NM_001170937.1); c.1391-16_1391-10del (NM_001170634.1).
Identifiers: ClinVar variation 3349878 (VCV003349878.1).

ClinVar aggregate classification (germline): Likely benign (0 of 4 stars; one submission).

Conditions:
FUS-related disorder. Also called: FUS-related condition.

Submission:

PreventionGenetics, part of Exact Sciences
Classification: Likely benign for FUS-related condition. Last evaluated: 2024-04-25. Review status: no assertion criteria provided. Collection method: clinical testing. Allele origin: germline.
Comment: This variant is classified as likely benign based on ACMG/AMP sequence variant interpretation guidelines (Richards et al. 2015 PMID: 25741868, with internal and published modifications).